The following is an entry in ClinVar:

NM_001378964.1(CDON):c.3120C>T (p.Gly1040=)

Gene: CDON (cell adhesion associated, oncogene regulated; minus strand). Cytogenetic location: 11q24.2.
Variant type: single nucleotide variant.
Coding change: c.3120C>T on transcript NM_001378964.1 (MANE Select); coding-DNA position 3120, C replaced by T.
Protein change: p.Gly1040=; no amino-acid change (glycine 1040 retained).
Molecular consequence: synonymous variant.
Genome position (GRCh38, 1-based): chr11:125,981,205, G>A on the plus strand (C>T on the coding strand, the complement: CDON is on the minus strand). VCF-style: chr11-125981205-G-A. GRCh37 (hg19) VCF-style: chr11-125851100-G-A.
Other names: c.3120C>T, p.Gly1040= (NM_001243597.3, NM_016952.6).
Identifiers: ClinVar variation 779581 (VCV000779581.8), dbSNP rs200405251, ClinGen allele CA6351505.

ClinVar aggregate classification (germline): Likely benign. Review status: criteria provided, single submitter (1 of 4 stars). 2 submissions from 2 submitters: Likely benign (1). 1 of the submissions does not count toward it. Last evaluated 2026-01-23.

Conditions:
CDON-related disorder. Also called: CDON-related condition.
Holoprosencephaly 11 (HPE11). Identifiers: Orphanet 2162, MedGen C3280215, MONDO:0013642, OMIM 614226.

Allele frequency attached by ClinVar (database versions not stated): TOPMed 0.00028; gnomAD exomes 0.00002 and 0.00007; ExAC 0.00004; gnomAD 0.00014 and 0.00015; 1000 Genomes Project 30x 0.00016; 1000 Genomes Project 0.00020.
gnomAD v4.1: 57 of 1,614,158 alleles (0.0035%); highest among the groups gnomAD compares: Admixed American, 0.067%; no homozygotes.

Submissions (2):

Labcorp Genetics (formerly Invitae), Labcorp
Classification: Likely benign for Holoprosencephaly 11. Last evaluated: 2026-01-23. Review status: criteria provided, single submitter. Criteria: Invitae Variant Classification Sherloc (09022015). Collection method: clinical testing. Allele origin: germline.

PreventionGenetics, part of Exact Sciences
Classification: Likely benign for CDON-related condition. Last evaluated: 2021-11-26. Review status: no assertion criteria provided. Collection method: clinical testing. Allele origin: germline. Not counted in ClinVar's aggregate classification.
Comment: This variant is classified as likely benign based on ACMG/AMP sequence variant interpretation guidelines (Richards et al. 2015 PMID: 25741868, with internal and published modifications).